The following is an entry in ClinVar:

ClinVar aggregate classification (germline): Uncertain significance. Review status: criteria provided, multiple submitters, no conflicts (2 of 4 stars). 7 submissions from 7 submitters: Uncertain significance (4). 3 of the submissions do not count toward it. Last evaluated 2023-10-01.

Conditions:
IFT172-related disorder. Also called: IFT172-related condition; IFT172-related disorders.
Bardet-Biedl syndrome 20. Identifiers: MedGen C4310707, MONDO:0023670, OMIM 619471, MONDO:0014926.
Retinal dystrophy. Also called: Inherited retinal dystrophy. Identifiers: Orphanet 71862, MedGen C0854723, MeSH D058499, MONDO:0019118, HP:0000556.
Retinitis pigmentosa 71 (RP71). Identifiers: Orphanet 791, MedGen C4225342, MONDO:0014618, OMIM 616394.
Short-rib thoracic dysplasia 10 with or without polydactyly (SRTD10). Identifiers: Orphanet 474, MedGen C3810175, MONDO:0014284, OMIM 615630.
Bardet-Biedl syndrome 22 (BBS22). Identifiers: MedGen C5561936, MONDO:0014926, OMIM 617119.

Allele frequency attached by ClinVar (database versions not stated): gnomAD 0.00001 and 0.00003; gnomAD exomes 0.00001 and 0.00007; TOPMed 0.00001; ExAC 0.00002; 1000 Genomes Project 30x 0.00016; 1000 Genomes Project 0.00020.
gnomAD v4.1: 109 of 1,614,166 alleles (0.0068%); highest among the groups gnomAD compares: East Asian, 0.24%; no homozygotes.

Submissions (7):

Dept Of Ophthalmology, Nagoya University
Classification: Uncertain significance for Retinal dystrophy. Last evaluated: 2023-10-01. Review status: criteria provided, single submitter. Criteria: Submitter's publication. Collection method: research. Allele origin: germline. Affected: yes.

Labcorp Genetics (formerly Invitae), Labcorp
Classification: Uncertain significance for Retinitis pigmentosa 71; Short-rib thoracic dysplasia 10 with or without polydactyly. Last evaluated: 2022-10-13. Review status: criteria provided, single submitter. Criteria: Invitae Variant Classification Sherloc (09022015). Collection method: clinical testing. Allele origin: germline.
Comment: In summary, the available evidence is currently insufficient to determine the role of this variant in disease. Therefore, it has been classified as a Variant of Uncertain Significance. Advanced modeling of protein sequence and biophysical properties (such as structural, functional, and spatial information, amino acid conservation, physicochemical variation, residue mobility, and thermodynamic stability) performed at Invitae indicates that this missense variant is not expected to disrupt IFT172 protein function. ClinVar contains an entry for this variant (Variation ID: 869114). This missense change has been observed in individual(s) with Bardet-Biedl syndrome (PMID: 32451492). This variant is present in population databases (rs144645349, gnomAD 0.01%). This sequence change replaces histidine, which is basic and polar, with tyrosine, which is neutral and polar, at codon 719 of the IFT172 protein (p.His719Tyr).

Fulgent Genetics
Classification: Uncertain significance for Short-rib thoracic dysplasia 10 with or without polydactyly; Retinitis pigmentosa 71; Bardet-Biedl syndrome 20. Last evaluated: 2022-04-05. Review status: criteria provided, single submitter. Criteria: ACMG Guidelines, 2015. Collection method: clinical testing. Allele origin: unknown.

Blueprint Genetics
Classification: Uncertain significance. Last evaluated: 2022-04-01. Review status: criteria provided, single submitter. Criteria: ACMG Guidelines, 2015. Collection method: clinical testing. Allele origin: germline.

PreventionGenetics, part of Exact Sciences
Classification: Uncertain significance for IFT172-related condition. Last evaluated: 2024-03-25. Review status: no assertion criteria provided. Collection method: clinical testing. Allele origin: germline. Not counted in ClinVar's aggregate classification.
Comment: The IFT172 c.2155C>T variant is predicted to result in the amino acid substitution p.His719Tyr. This variant was reported in the compound heterozygous state in an individual with Bardet-Biedl syndrome (Hirano et al. 2020. PubMed ID: 32451492). This variant is reported in 0.016% of alleles in individuals of East Asian descent in gnomAD. At this time, the clinical significance of this variant is uncertain due to the absence of conclusive functional and genetic evidence.

OMIM
Classification: Pathogenic for BARDET-BIEDL SYNDROME 20. Last evaluated: 2021-08-04. Review status: no assertion criteria provided. Collection method: literature only. Allele origin: germline. Not counted in ClinVar's aggregate classification.

Department of Neurology, Kindai University
Classification: Pathogenic for Bardet-Biedl syndrome type 20. Last evaluated: 2020-03-24. Review status: no assertion criteria provided. Collection method: case-control. Allele origin: maternal. Affected: yes. Observed: 1 variant allele. Not counted in ClinVar's aggregate classification.

Literature cited by the submitters: PubMed 32451492 (cited by Labcorp Genetics (formerly Invitae), Labcorp and OMIM).

NM_015662.3(IFT172):c.2155C>T (p.His719Tyr)

Gene: IFT172 (intraflagellar transport 172; minus strand). Cytogenetic location: 2p23.3.
Variant type: single nucleotide variant.
Coding change: c.2155C>T on transcript NM_015662.3 (MANE Select); coding-DNA position 2155, C replaced by T.
Protein change: p.His719Tyr; replaces histidine 719 with tyrosine.
Molecular consequence: missense variant.
Genome position (GRCh38, 1-based): chr2:27,461,797, G>A on the plus strand (C>T on the coding strand, the complement: IFT172 is on the minus strand). VCF-style: chr2-27461797-G-A. GRCh37 (hg19) VCF-style: chr2-27684664-G-A.
Other names: IFT172, HIS719TYR (rs144645349); c.2155C>T (NM_015662.2); short protein forms H719Y.
Identifiers: ClinVar variation 869114 (VCV000869114.14), dbSNP rs144645349, ClinGen allele CA1580381.
Genomic context (GRCh38, chr2:27,461,797, plus strand): 5'-GTGGAGAAGATAAAACAGGTACCTTGGCTTCAGCCACAGCGATACACTCATCCCAACGGT[G>A]TAGCTCCTGGTACATGCCCATGGCCTCCTCCACAGCATTCTAGGGGAAACAGGCAGAGCA-3'
Protein context (NP_056477.1, residues 709-729): EEAMGMYQEL[His719Tyr]RWDECIAVAE